The following is an entry in ClinVar:

ClinVar aggregate classification (germline): Uncertain significance. Review status: criteria provided, multiple submitters, no conflicts (2 of 4 stars). 3 submissions from 3 submitters: Uncertain significance (3). Last evaluated 2025-07-14.

Conditions:
Hereditary spastic paraplegia 7 (SPG7). Also called: Spastic paraplegia 7; Hereditary spastic paraplegia Paraplegin type; SPASTIC PARAPLEGIA 7, AUTOSOMAL RECESSIVE, WITH OR WITHOUT CEREBELLAR ATAXIA; Autosomal recessive spastic paraplegia type 7; SPG7-related neurologic disorder. Identifiers: Orphanet 99013, MedGen C1846564, MONDO:0011803, OMIM 607259.

gnomAD v4.1: 79 of 1,613,608 alleles (0.0049%); highest among the groups gnomAD compares: Non-Finnish European, 0.0063%; no homozygotes.

Submissions (3):

Labcorp Genetics (formerly Invitae), Labcorp
Classification: Uncertain significance for Hereditary spastic paraplegia 7. Last evaluated: 2025-07-14. Review status: criteria provided, single submitter. Criteria: Invitae Variant Classification Sherloc (09022015). Collection method: clinical testing. Allele origin: germline.
Comment: This sequence change replaces arginine, which is basic and polar, with glutamine, which is neutral and polar, at codon 398 of the SPG7 protein (p.Arg398Gln). This variant is present in population databases (rs771782004, gnomAD 0.01%). This missense change has been observed in individual(s) with spastic paraplegia (PMID: 21623769). ClinVar contains an entry for this variant (Variation ID: 1303070). Invitae Evidence Modeling of protein sequence and biophysical properties (such as structural, functional, and spatial information, amino acid conservation, physicochemical variation, residue mobility, and thermodynamic stability) indicates that this missense variant is not expected to disrupt SPG7 protein function with a negative predictive value of 80%. In summary, the available evidence is currently insufficient to determine the role of this variant in disease. Therefore, it has been classified as a Variant of Uncertain Significance.

GeneDx
Classification: Uncertain significance. Last evaluated: 2025-04-06. Review status: criteria provided, single submitter. Criteria: GeneDx Variant Classification Process June 2021. Collection method: clinical testing. Allele origin: germline. Affected: yes.
Comment: Reported in an individual with hereditary spastic paraplegia; a second variant was not described (PMID: 21623769); In silico analysis supports that this missense variant has a deleterious effect on protein structure/function; This variant is associated with the following publications: (PMID: 22571692, ZhangX2024[casereport], 21623769)

Blueprint Genetics
Classification: Uncertain significance. Last evaluated: 2024-07-08. Review status: criteria provided, single submitter. Criteria: ACMG Guidelines, 2015. Collection method: clinical testing. Allele origin: germline.

Literature cited by the submitters: PubMed 21623769 (cited by Labcorp Genetics (formerly Invitae), Labcorp).

NM_003119.4(SPG7):c.1193G>A (p.Arg398Gln)

Gene: SPG7 (SPG7 matrix AAA peptidase subunit, paraplegin; plus strand). Cytogenetic location: 16q24.3.
Variant type: single nucleotide variant.
Coding change: c.1193G>A on transcript NM_003119.4 (MANE Select); coding-DNA position 1193, G replaced by A.
Protein change: p.Arg398Gln; replaces arginine 398 with glutamine.
Molecular consequence: missense variant.
Genome position (GRCh38, 1-based): chr16:89,532,505, G>A. VCF-style: chr16-89532505-G-A. GRCh37 (hg19) VCF-style: chr16-89598913-G-A.
Other names: c.1193G>A, p.Arg398Gln (NM_001363850.1, NM_199367.3); short protein forms R398Q.
Identifiers: ClinVar variation 1303070 (VCV001303070.9), dbSNP rs771782004, ClinGen allele CA8243986.